The following is an entry in ClinVar:

NM_004304.5(ALK):c.410G>A (p.Arg137His)

Gene: ALK (ALK receptor tyrosine kinase; minus strand). Cytogenetic location: 2p23.1.
Variant type: single nucleotide variant.
Coding change: c.410G>A on transcript NM_004304.5 (MANE Select); coding-DNA position 410, G replaced by A.
Protein change: p.Arg137His; replaces arginine 137 with histidine.
Molecular consequence: missense variant.
Genome position (GRCh38, 1-based): chr2:29,920,250, C>T on the plus strand (G>A on the coding strand, the complement: ALK is on the minus strand). VCF-style: chr2-29920250-C-T. GRCh37 (hg19) VCF-style: chr2-30143116-C-T.
Other names: short protein forms R137H.
Identifiers: ClinVar variation 1466311 (VCV001466311.11), dbSNP rs2148443334, ClinGen allele CA346590104.
Genomic context (GRCh38, chr2:29,920,250, plus strand): 5'-GGCCCGACGCAACCCTCCAAGATCGCCTCCTCGCCCAGCTCCAGCACCAACTGCTTGGCA[C>T]GCCGGAGCTTGCGCACGGAGCCGCCCTTCAGCACCCTGGACAGCGTCCGGGCCTCTGCCG-3'
Protein context (NP_004295.2, residues 127-147): LKGGSVRKLR[Arg137His]AKQLVLELGE

ClinVar aggregate classification (germline): Uncertain significance. Review status: criteria provided, multiple submitters, no conflicts (2 of 4 stars). 2 submissions from 2 submitters: Uncertain significance (2). Last evaluated 2025-04-03.

Conditions:
Hereditary cancer-predisposing syndrome. Also called: Neoplastic Syndromes, Hereditary; Hereditary Cancer Syndrome; Tumor predisposition; Hereditary neoplastic syndrome. Identifiers: Orphanet 140162, MedGen C0027672, MeSH D009386, MONDO:0015356.
Neuroblastoma, susceptibility to, 3. Also called: ALK-Related Neuroblastic Tumor Susceptibility. Identifiers: Orphanet 635, MedGen C2751681, MONDO:0013083, OMIM 613014.

gnomAD v4.1: 4 of 1,608,052 alleles (0.00025%); highest among the groups gnomAD compares: Non-Finnish European, 0.00034%; no homozygotes.

Submissions (2):

Ambry Genetics
Classification: Uncertain significance for Hereditary cancer-predisposing syndrome. Last evaluated: 2025-04-03. Review status: criteria provided, single submitter. Criteria: Ambry Variant Classification Scheme 2023. Collection method: clinical testing. Allele origin: germline.
Comment: The p.R137H variant (also known as c.410G>A), located in coding exon 1 of the ALK gene, results from a G to A substitution at nucleotide position 410. The arginine at codon 137 is replaced by histidine, an amino acid with highly similar properties. This amino acid position is conserved. In addition, the in silico prediction for this alteration is inconclusive. Since supporting evidence is limited at this time, the clinical significance of this alteration remains unclear.

Labcorp Genetics (formerly Invitae), Labcorp
Classification: Uncertain significance for Neuroblastoma, susceptibility to, 3. Last evaluated: 2024-05-21. Review status: criteria provided, single submitter. Criteria: Invitae Variant Classification Sherloc (09022015). Collection method: clinical testing. Allele origin: germline.
Comment: This sequence change replaces arginine, which is basic and polar, with histidine, which is basic and polar, at codon 137 of the ALK protein (p.Arg137His). This variant is not present in population databases (gnomAD no frequency). This variant has not been reported in the literature in individuals affected with ALK-related conditions. ClinVar contains an entry for this variant (Variation ID: 1466311). An algorithm developed to predict the effect of missense changes on protein structure and function (PolyPhen-2) suggests that this variant is likely to be disruptive. In summary, the available evidence is currently insufficient to determine the role of this variant in disease. Therefore, it has been classified as a Variant of Uncertain Significance.